The following is an entry in ClinVar:

NM_032861.4(SERAC1):c.1538C>T (p.Thr513Met)

Gene: SERAC1 (serine active site containing 1; minus strand). Cytogenetic location: 6q25.3.
Variant type: single nucleotide variant.
Coding change: c.1538C>T on transcript NM_032861.4 (MANE Select); coding-DNA position 1538, C replaced by T.
Protein change: p.Thr513Met; replaces threonine 513 with methionine.
Molecular consequence: missense variant. On other transcripts: non-coding transcript variant (1).
Genome position (GRCh38, 1-based): chr6:158,114,935, G>A on the plus strand (C>T on the coding strand, the complement: SERAC1 is on the minus strand). VCF-style: chr6-158114935-G-A. GRCh37 (hg19) VCF-style: chr6-158535967-G-A.
Other names: short protein forms T513M.
Identifiers: ClinVar variation 858150 (VCV000858150.11), dbSNP rs143065058, ClinGen allele CA4071023.

ClinVar aggregate classification (germline): Uncertain significance. Review status: criteria provided, multiple submitters, no conflicts (2 of 4 stars). 5 submissions from 5 submitters: Uncertain significance (5). Last evaluated 2026-09-21.

Conditions:
3-methylglutaconic aciduria with deafness, encephalopathy, and Leigh-like syndrome (MEGDEL). Also called: SERAC1 Deficiency; MEGDEL syndrome; 3-METHYLGLUTACONIC ACIDURIA, TYPE VI. Identifiers: Orphanet 352328, MedGen C4040739, MONDO:0013875, OMIM 614739.
SERAC1-related disorder. Also called: SERAC1-related disorders; SERAC1-related condition.

Allele frequency attached by ClinVar (database versions not stated): ExAC 0.00007; gnomAD exomes 0.00008; gnomAD 0.00014 and 0.00015; 1000 Genomes Project 30x 0.00016; TOPMed 0.00019; 1000 Genomes Project 0.00020; ESP Exome Variant Server 0.00023.
gnomAD v4.1: 230 of 1,613,256 alleles (0.014%); highest among the groups gnomAD compares: Non-Finnish European, 0.017%; no homozygotes.

Submissions (5):

PreventionGenetics, part of Exact Sciences
Classification: Uncertain significance for SERAC1-related condition. Last evaluated: 2026-09-21. Review status: criteria provided, single submitter. Criteria: ACMG Guidelines, 2015. Collection method: clinical testing. Allele origin: germline.
Comment: The SERAC1 c.1538C>T variant is predicted to result in the amino acid substitution p.Thr513Met. To our knowledge, this variant has not been reported in the literature. This variant is reported in 0.020% of alleles in individuals of African descent in gnomAD. At this time, the clinical significance of this variant is uncertain due to the absence of conclusive functional and genetic evidence.

GeneDx
Classification: Uncertain significance. Last evaluated: 2025-02-06. Review status: criteria provided, single submitter. Criteria: GeneDx Variant Classification Process June 2021. Collection method: clinical testing. Allele origin: germline. Affected: yes.
Comment: In silico analysis indicates that this missense variant does not alter protein structure/function; Has not been previously published as pathogenic or benign to our knowledge

Blueprint Genetics
Classification: Uncertain significance. Last evaluated: 2024-10-07. Review status: criteria provided, single submitter. Criteria: ACMG Guidelines, 2015. Collection method: clinical testing. Allele origin: germline.

Labcorp Genetics (formerly Invitae), Labcorp
Classification: Uncertain significance for 3-methylglutaconic aciduria with deafness, encephalopathy, and Leigh-like syndrome. Last evaluated: 2022-07-19. Review status: criteria provided, single submitter. Criteria: Invitae Variant Classification Sherloc (09022015). Collection method: clinical testing. Allele origin: germline.
Comment: This sequence change replaces threonine, which is neutral and polar, with methionine, which is neutral and non-polar, at codon 513 of the SERAC1 protein (p.Thr513Met). This variant is present in population databases (rs143065058, gnomAD 0.02%). This variant has not been reported in the literature in individuals affected with SERAC1-related conditions. ClinVar contains an entry for this variant (Variation ID: 858150). Algorithms developed to predict the effect of missense changes on protein structure and function (SIFT, PolyPhen-2, Align-GVGD) all suggest that this variant is likely to be tolerated. In summary, the available evidence is currently insufficient to determine the role of this variant in disease. Therefore, it has been classified as a Variant of Uncertain Significance.

Genome-Nilou Lab
Classification: Uncertain significance for 3-methylglutaconic aciduria with deafness, encephalopathy, and Leigh-like syndrome. Last evaluated: 2022-03-15. Review status: criteria provided, single submitter. Criteria: ACMG Guidelines, 2015. Collection method: clinical testing. Allele origin: germline. Affected: no.